The following is an entry in ClinVar:

ClinVar aggregate classification (germline): Uncertain significance (1 of 4 stars; one submission).

gnomAD v4.1: 4 of 1,613,872 alleles (0.00025%); highest among the groups gnomAD compares: Non-Finnish European, 0.00025%; no homozygotes.

Submission:

Labcorp Genetics (formerly Invitae), Labcorp
Classification: Uncertain significance. Last evaluated: 2019-11-26. Review status: criteria provided, single submitter. Criteria: Invitae Variant Classification Sherloc (09022015). Collection method: clinical testing. Allele origin: germline.
Comment: In summary, the available evidence is currently insufficient to determine the role of this variant in disease. Therefore, it has been classified as a Variant of Uncertain Significance. This sequence change replaces threonine with alanine at codon 231 of the KIAA1549 protein (p.Thr231Ala). The threonine residue is weakly conserved and there is a small physicochemical difference between threonine and alanine. This variant is not present in population databases (ExAC no frequency). This variant has not been reported in the literature in individuals with KIAA1549-related conditions. Algorithms developed to predict the effect of missense changes on protein structure and function output the following: SIFT: "Tolerated"; PolyPhen-2: "Benign"; Align-GVGD: "Class C0". The alanine amino acid residue is found in multiple mammalian species, suggesting that this missense change does not adversely affect protein function. These predictions have not been confirmed by published functional studies and their clinical significance is uncertain.

NM_001164665.2(KIAA1549):c.691A>G (p.Thr231Ala)

Gene: KIAA1549 (KIAA1549; minus strand). Cytogenetic location: 7q34.
Variant type: single nucleotide variant.
Coding change: c.691A>G on transcript NM_001164665.2 (MANE Select); coding-DNA position 691, A replaced by G.
Protein change: p.Thr231Ala; replaces threonine 231 with alanine.
Molecular consequence: missense variant.
Genome position (GRCh38, 1-based): chr7:138,918,935, T>C on the plus strand (A>G on the coding strand, the complement: KIAA1549 is on the minus strand). VCF-style: chr7-138918935-T-C. GRCh37 (hg19) VCF-style: chr7-138603681-T-C.
Other names: c.691A>G, p.Thr231Ala (NM_020910.3); short protein forms T231A.
Identifiers: ClinVar variation 842973 (VCV000842973.9), dbSNP rs780477884, ClinGen allele CA369402223.